The following is an entry in ClinVar:

ClinVar aggregate classification (germline): Conflicting classifications of pathogenicity. Review status: criteria provided, conflicting classifications (1 of 4 stars). 2 submissions from 2 submitters: Uncertain significance (1); Likely benign (1). Last evaluated 2025-12-11.

Allele frequency attached by ClinVar (database versions not stated): gnomAD 0.00003; ExAC 0.00011; ESP Exome Variant Server 0.00016; 1000 Genomes Project 0.00020; TOPMed 0.00003; gnomAD exomes 0.00007; 1000 Genomes Project 30x 0.00016.

Submissions (2):

Ambry Genetics
Classification: Likely benign. Last evaluated: 2025-12-11. Review status: criteria provided, single submitter. Criteria: Ambry Variant Classification Scheme 2023. Collection method: clinical testing. Allele origin: germline.

Labcorp Genetics (formerly Invitae), Labcorp
Classification: Uncertain significance. Last evaluated: 2025-11-10. Review status: criteria provided, single submitter. Criteria: Invitae Variant Classification Sherloc (09022015). Collection method: clinical testing. Allele origin: germline.
Comment: This sequence change replaces arginine, which is basic and polar, with tryptophan, which is neutral and slightly polar, at codon 415 of the FUK protein (p.Arg415Trp). This variant is present in population databases (rs374640774, gnomAD 0.04%). This variant has not been reported in the literature in individuals affected with FUK-related conditions. ClinVar contains an entry for this variant (Variation ID: 2959285). An algorithm developed to predict the effect of missense changes on protein structure and function outputs the following: PolyPhen-2: "Benign". The tryptophan amino acid residue is found in multiple mammalian species, which suggests that this missense change does not adversely affect protein function. In summary, the available evidence is currently insufficient to determine the role of this variant in disease. Therefore, it has been classified as a Variant of Uncertain Significance.

NM_145059.3(FCSK):c.1243C>T (p.Arg415Trp)

Gene: FCSK (fucose kinase; plus strand). Cytogenetic location: 16q22.1.
Variant type: single nucleotide variant.
Coding change: c.1243C>T on transcript NM_145059.3 (MANE Select); coding-DNA position 1243, C replaced by T.
Protein change: p.Arg415Trp; replaces arginine 415 with tryptophan.
Molecular consequence: missense variant.
Genome position (GRCh38, 1-based): chr16:70,471,254, C>T. VCF-style: chr16-70471254-C-T. GRCh37 (hg19) VCF-style: chr16-70505157-C-T.
Other names: c.1243C>T (NM_145059.2); short protein forms R415W.
Identifiers: ClinVar variation 2959285 (VCV002959285.4), dbSNP rs374640774, ClinGen allele CA8143255.